The following is an entry in ClinVar:

NM_003672.4(CDC14A):c.349G>A (p.Ala117Thr)

Gene: CDC14A (cell division cycle 14A; plus strand). Cytogenetic location: 1p21.2.
Variant type: single nucleotide variant.
Coding change: c.349G>A on transcript NM_003672.4 (MANE Select); coding-DNA position 349, G replaced by A.
Protein change: p.Ala117Thr; replaces alanine 117 with threonine.
Molecular consequence: missense variant. On other transcripts: 5 prime UTR variant (1).
Genome position (GRCh38, 1-based): chr1:100,424,261, G>A. VCF-style: chr1-100424261-G-A. GRCh37 (hg19) VCF-style: chr1-100889817-G-A.
Other names: c.349G>A, p.Ala117Thr (NM_001319210.2, NM_033312.3, NM_033313.3); c.175G>A, p.Ala59Thr (NM_001319211.2); c.-443G>A (NM_001319212.2); short protein forms A117T, A59T.
Identifiers: ClinVar variation 1712116 (VCV001712116.2), dbSNP rs2524176431, ClinGen allele CA341353915.
Genomic context (GRCh38, chr1:100,424,261, plus strand): 5'-GTTACTATTTATCTGTCTTAGGTAATCTATTTAAAGAAGACACCAGAAGAAGCCTACAGA[G>A]CACTCCTGTCTGGCTCAAACCCCCCCTATCTTCCATTCAGGTATAACTCCTGGTGAGACT-3'
Protein context (NP_003663.2, residues 107-127): LKKTPEEAYR[Ala117Thr]LLSGSNPPYL

ClinVar aggregate classification (germline): Uncertain significance (1 of 4 stars; one submission).

Submission:

GeneDx
Classification: Uncertain significance. Last evaluated: 2022-04-19. Review status: criteria provided, single submitter. Criteria: GeneDx Variant Classification Process June 2021. Collection method: clinical testing. Allele origin: germline. Affected: yes.
Comment: Not observed at significant frequency in large population cohorts (gnomAD); In silico analysis supports that this missense variant does not alter protein structure/function; Has not been previously published as pathogenic or benign to our knowledge